The following is an entry in ClinVar:

NM_172364.5(CACNA2D4):c.2455T>C (p.Trp819Arg)

Gene: CACNA2D4 (calcium voltage-gated channel auxiliary subunit alpha2delta 4; minus strand). Cytogenetic location: 12p13.33.
Variant type: single nucleotide variant.
Coding change: c.2455T>C on transcript NM_172364.5 (MANE Select); coding-DNA position 2455, T replaced by C.
Protein change: p.Trp819Arg; replaces tryptophan 819 with arginine.
Molecular consequence: missense variant.
Genome position (GRCh38, 1-based): chr12:1,844,417, A>G on the plus strand (T>C on the coding strand, the complement: CACNA2D4 is on the minus strand). VCF-style: chr12-1844417-A-G. GRCh37 (hg19) VCF-style: chr12-1953583-A-G.
Other names: short protein forms W819R.
Identifiers: ClinVar variation 4798385 (VCV004798385.1).

ClinVar aggregate classification (germline): Uncertain significance (1 of 4 stars; one submission).

Submission:

Labcorp Genetics (formerly Invitae), Labcorp
Classification: Uncertain significance. Last evaluated: 2026-01-28. Review status: criteria provided, single submitter. Criteria: Invitae Variant Classification Sherloc (09022015). Collection method: clinical testing. Allele origin: germline.
Comment: This sequence change replaces tryptophan, which is neutral and slightly polar, with arginine, which is basic and polar, at codon 819 of the CACNA2D4 protein (p.Trp819Arg). This variant is present in population databases (rs778904132, gnomAD 0.006%). This variant has not been reported in the literature in individuals affected with CACNA2D4-related conditions. An algorithm developed to predict the effect of missense changes on protein structure and function (PolyPhen-2) suggests that this variant is likely to be tolerated. In summary, the available evidence is currently insufficient to determine the role of this variant in disease. Therefore, it has been classified as a Variant of Uncertain Significance.